The following is an entry in ClinVar:

ClinVar aggregate classification (germline): Uncertain significance (1 of 4 stars; one submission).

Submission:

Women's Health and Genetics/Laboratory Corporation of America, LabCorp
Classification: Uncertain significance. Last evaluated: 2023-11-09. Review status: criteria provided, single submitter. Criteria: LabCorp Variant Classification Summary - May 2015. Collection method: clinical testing. Allele origin: germline.
Comment: Variant summary: CRELD1 c.*184G>A is located in the untranslated mRNA region downstream of the termination codon. One of two in-silico tools predict a benign effect of the variant on protein function. The variant was absent in 31390 control chromosomes (gnomAD). The available data on variant occurrences in the general population are insufficient to allow any conclusion about variant significance. To our knowledge, no occurrence of c.*184G>A in individuals affected with Atrioventricular Septal Defect and no experimental evidence demonstrating its impact on protein function have been reported. No submitters have cited clinical-significance assessments for this variant to ClinVar after 2014. Based on the evidence outlined above, the variant was classified as uncertain significance.

NM_001077415.3(CRELD1):c.*184G>A

Gene: CRELD1 (cysteine rich with EGF like domains 1; plus strand). Cytogenetic location: 3p25.3.
Variant type: single nucleotide variant.
Coding change: c.*184G>A on transcript NM_001077415.3 (MANE Select); 184 bases downstream of the stop codon, G replaced by A.
Molecular consequence: 3 prime UTR variant. On other transcripts: non-coding transcript variant (3).
Genome position (GRCh38, 1-based): chr3:9,944,763, G>A. VCF-style: chr3-9944763-G-A. GRCh37 (hg19) VCF-style: chr3-9986447-G-A.
Other names: c.*372G>A (NM_001031717.4, NM_001374317.1, NM_001374318.1); c.*184G>A (NM_001374316.1, NM_001374319.1, NM_001374320.1 and 1 more transcripts); c.*1012G>A (NM_001410713.1).
Identifiers: ClinVar variation 2682432 (VCV002682432.1), dbSNP rs2470528235, ClinGen allele CA2697550650.